The following is an entry in ClinVar:

ClinVar aggregate classification (germline): Likely benign. Review status: criteria provided, multiple submitters, no conflicts (2 of 4 stars). 3 submissions from 3 submitters: Likely benign (3). Last evaluated 2025-11-17.

Conditions:
MTOR-related disorder. Also called: MTOR-related condition.

Allele frequency attached by ClinVar (database versions not stated): ExAC 0.00001; gnomAD exomes 0.00001 and 0.00004; gnomAD 0.00003 and 0.00004; TOPMed 0.00005.
gnomAD v4.1: 26 of 1,613,828 alleles (0.0016%); highest among the groups gnomAD compares: African/African-American, 0.0053%; no homozygotes.

Submissions (3):

Labcorp Genetics (formerly Invitae), Labcorp
Classification: Likely benign. Last evaluated: 2025-11-17. Review status: criteria provided, single submitter. Criteria: Invitae Variant Classification Sherloc (09022015). Collection method: clinical testing. Allele origin: germline.

PreventionGenetics, part of Exact Sciences
Classification: Likely benign for MTOR-related condition. Last evaluated: 2025-07-03. Review status: criteria provided, single submitter. Criteria: ACMG Guidelines, 2015. Collection method: clinical testing. Allele origin: germline.
Comment: This variant is classified as likely benign based on ACMG/AMP sequence variant interpretation guidelines (Richards et al. 2015 PMID: 25741868, with internal and published modifications).

CeGaT Center for Human Genetics Tuebingen
Classification: Likely benign. Last evaluated: 2018-07-01. Review status: criteria provided, single submitter. Criteria: CeGaT Center For Human Genetics Tuebingen Variant Classification Criteria Version 2. Collection method: clinical testing. Allele origin: germline. Affected: yes. Observed: 1 variant allele.

NM_004958.4(MTOR):c.6891C>T (p.Asp2297=)

Gene: MTOR (mechanistic target of rapamycin kinase; minus strand). Cytogenetic location: 1p36.22.
Variant type: single nucleotide variant.
Coding change: c.6891C>T on transcript NM_004958.4 (MANE Select); coding-DNA position 6891, C replaced by T.
Protein change: p.Asp2297=; no amino-acid change (aspartic acid 2297 retained).
Molecular consequence: synonymous variant.
Genome position (GRCh38, 1-based): chr1:11,121,288, G>A on the plus strand (C>T on the coding strand, the complement: MTOR is on the minus strand). VCF-style: chr1-11121288-G-A. GRCh37 (hg19) VCF-style: chr1-11181345-G-A.
Identifiers: ClinVar variation 696043 (VCV000696043.52), dbSNP rs763361130, ClinGen allele CA588985.
Genomic context (GRCh38, chr1:11,121,288, plus strand): 5'-CAGGGCCCAGTGGCCTACCTCGGAGCTGGGGCTTTTCAGCCACAGCAGCTTGGCCAGGTC[G>A]TCCCCAGCTGTATTATTGACGGCATGCTCAAACACCTCCACCTTCTGCATCAGAGTCAAG-3'
Protein context (NP_004949.1, residues 2287-2307): FEHAVNNTAG[Asp2297=]DLAKLLWLKS